The following is an entry in ClinVar:

NM_002439.5(MSH3):c.2648A>G (p.Asp883Gly)

Gene: MSH3 (mutS homolog 3; plus strand). Cytogenetic location: 5q14.1.
Variant type: single nucleotide variant.
Coding change: c.2648A>G on transcript NM_002439.5 (MANE Select); coding-DNA position 2648, A replaced by G.
Protein change: p.Asp883Gly; replaces aspartic acid 883 with glycine.
Molecular consequence: missense variant.
Genome position (GRCh38, 1-based): chr5:80,792,837, A>G. VCF-style: chr5-80792837-A-G. GRCh37 (hg19) VCF-style: chr5-80088656-A-G.
Other names: c.2648A>G (NM_002439.3); short protein forms D883G.
Identifiers: ClinVar variation 1046135 (VCV001046135.10), dbSNP rs1315287122, ClinGen allele CA360273057.

ClinVar aggregate classification (germline): Uncertain significance. Review status: criteria provided, multiple submitters, no conflicts (2 of 4 stars). 2 submissions from 2 submitters: Uncertain significance (2). Last evaluated 2023-09-22.

Conditions:
Hereditary cancer-predisposing syndrome. Also called: Hereditary Cancer Syndrome; Tumor predisposition; Hereditary neoplastic syndrome; Neoplastic Syndromes, Hereditary. Identifiers: Orphanet 140162, MedGen C0027672, MeSH D009386, MONDO:0015356.

Allele frequency attached by ClinVar (database versions not stated): gnomAD exomes below 0.00001; TOPMed below 0.00001.
gnomAD v4.1: 2 of 1,601,512 alleles (0.00012%); highest among the groups gnomAD compares: African/African-American, 0.0013%; no homozygotes.

Submissions (2):

Labcorp Genetics (formerly Invitae), Labcorp
Classification: Uncertain significance. Last evaluated: 2023-09-22. Review status: criteria provided, single submitter. Criteria: Invitae Variant Classification Sherloc (09022015). Collection method: clinical testing. Allele origin: germline.
Comment: In summary, the available evidence is currently insufficient to determine the role of this variant in disease. Therefore, it has been classified as a Variant of Uncertain Significance. This sequence change replaces aspartic acid, which is acidic and polar, with glycine, which is neutral and non-polar, at codon 883 of the MSH3 protein (p.Asp883Gly). This variant is present in population databases (no rsID available, gnomAD 0.0009%). This variant has not been reported in the literature in individuals affected with MSH3-related conditions. ClinVar contains an entry for this variant (Variation ID: 1046135). An algorithm developed to predict the effect of missense changes on protein structure and function (PolyPhen-2) suggests that this variant is likely to be tolerated.

Ambry Genetics
Classification: Uncertain significance for Hereditary cancer-predisposing syndrome. Last evaluated: 2022-12-14. Review status: criteria provided, single submitter. Criteria: Ambry Variant Classification Scheme 2023. Collection method: clinical testing. Allele origin: germline.
Comment: The p.D883G variant (also known as c.2648A>G), located in coding exon 19 of the MSH3 gene, results from an A to G substitution at nucleotide position 2648. The aspartic acid at codon 883 is replaced by glycine, an amino acid with similar properties. This amino acid position is conserved. In addition, this alteration is predicted to be tolerated by in silico analysis. Since supporting evidence is limited at this time, the clinical significance of this alteration remains unclear.